The following is an entry in ClinVar:

ClinVar aggregate classification (germline): Uncertain significance (1 of 4 stars; one submission).

gnomAD v4.1: 4 of 1,609,168 alleles (0.00025%); highest among the groups gnomAD compares: Middle Eastern, 0.017%; no homozygotes.

Submission:

Labcorp Genetics (formerly Invitae), Labcorp
Classification: Uncertain significance. Last evaluated: 2024-10-14. Review status: criteria provided, single submitter. Criteria: Invitae Variant Classification Sherloc (09022015). Collection method: clinical testing. Allele origin: germline.
Comment: This sequence change replaces aspartic acid, which is acidic and polar, with asparagine, which is neutral and polar, at codon 125 of the TANGO2 protein (p.Asp125Asn). This variant is not present in population databases (gnomAD no frequency). This variant has not been reported in the literature in individuals affected with TANGO2-related conditions. ClinVar contains an entry for this variant (Variation ID: 1923228). An algorithm developed to predict the effect of missense changes on protein structure and function (PolyPhen-2) suggests that this variant is likely to be disruptive. In summary, the available evidence is currently insufficient to determine the role of this variant in disease. Therefore, it has been classified as a Variant of Uncertain Significance.

NM_152906.7(TANGO2):c.373G>A (p.Asp125Asn)

Gene: TANGO2 (transport and golgi organization 2 homolog; plus strand). Cytogenetic location: 22q11.21.
Variant type: single nucleotide variant.
Coding change: c.373G>A on transcript NM_152906.7 (MANE Select); coding-DNA position 373, G replaced by A.
Protein change: p.Asp125Asn; replaces aspartic acid 125 with asparagine.
Molecular consequence: missense variant. On other transcripts: intron variant (18), non-coding transcript variant (1).
Genome position (GRCh38, 1-based): chr22:20,053,544, G>A. VCF-style: chr22-20053544-G-A. GRCh37 (hg19) VCF-style: chr22-20041067-G-A.
Other names: c.496G>A, p.Asp166Asn (NM_001322141.2, NM_001322149.2, NM_001322143.2 and 3 more transcripts); c.373G>A, p.Asp125Asn (NM_001322142.2, NM_001283106.3, NM_001283116.3 and 3 more transcripts); c.265+960G>A (NM_001322166.2, NM_001322163.2, NM_001283179.3 and 4 more transcripts); c.86+960G>A (NM_001322150.2, NM_001322173.2, NM_001322174.2 and 6 more transcripts); c.271G>A, p.Asp91Asn (NM_001322146.2, NM_001322148.2, NM_001322160.2); c.388+960G>A (NM_001322147.2, NM_001322145.2); short protein forms D91N, D125N, D166N.
Identifiers: ClinVar variation 1923228 (VCV001923228.4), dbSNP rs17855650, ClinGen allele CA322139896.
Genomic context (GRCh38, chr22:20,053,544, plus strand): 5'-TACCTGAAGAAGGTCTCTATGGAGGGCCATCTGTACAATGGCTTCAACCTCATAGCAGCC[G>A]ACCTGAGGTGGGTCTGCCAGAGGGGGATGGCGGCTCTGCCCAGCACTGCCTCGGGGGCAG-3'
Protein context (NP_690870.3, residues 115-135): LYNGFNLIAA[Asp125Asn]LSTAKGDVIC